The following is an entry in ClinVar:

ClinVar aggregate classification (germline): Likely benign. Review status: criteria provided, multiple submitters, no conflicts (2 of 4 stars). 2 submissions from 2 submitters: Likely benign (2). Last evaluated 2026-01-05.

Allele frequency attached by ClinVar (database versions not stated): gnomAD 0.00005 and 0.00006; ExAC 0.00008; gnomAD exomes 0.00008; TOPMed 0.00009; ESP Exome Variant Server 0.00015; 1000 Genomes Project 30x 0.00016; 1000 Genomes Project 0.00020.
gnomAD v4.1: 112 of 1,613,830 alleles (0.0069%); highest among the groups gnomAD compares: Non-Finnish European, 0.0085%; no homozygotes.

Submissions (2):

Labcorp Genetics (formerly Invitae), Labcorp
Classification: Likely benign. Last evaluated: 2026-01-05. Review status: criteria provided, single submitter. Criteria: Invitae Variant Classification Sherloc (09022015). Collection method: clinical testing. Allele origin: germline.

GeneDx
Classification: Likely benign. Last evaluated: 2016-03-18. Review status: criteria provided, single submitter. Criteria: GeneDx Variant Classification (06012015). Collection method: clinical testing. Allele origin: germline. Affected: yes.
Comment: This variant is considered likely benign or benign based on one or more of the following criteria: it is a conservative change, it occurs at a poorly conserved position in the protein, it is predicted to be benign by multiple in silico algorithms, and/or has population frequency not consistent with disease.

NM_006086.4(TUBB3):c.741C>T (p.Asn247=)

Gene: TUBB3 (tubulin beta 3 class III; plus strand). Cytogenetic location: 16q24.3.
Variant type: single nucleotide variant.
Coding change: c.741C>T on transcript NM_006086.4 (MANE Select); coding-DNA position 741, C replaced by T.
Protein change: p.Asn247=; no amino-acid change (asparagine 247 retained).
Molecular consequence: synonymous variant.
Genome position (GRCh38, 1-based): chr16:89,935,192, C>T. VCF-style: chr16-89935192-C-T. GRCh37 (hg19) VCF-style: chr16-90001600-C-T.
Other names: c.525C>T, p.Asn175= (NM_001197181.2).
Identifiers: ClinVar variation 384476 (VCV000384476.9), dbSNP rs138498822, ClinGen allele CA8256159.
Genomic context (GRCh38, chr16:89,935,192, plus strand): 5'-CCTGGTATCGGCCACCATGAGCGGAGTCACCACCTCCTTGCGCTTCCCGGGCCAGCTCAA[C>T]GCTGACCTGCGCAAGCTGGCCGTCAACATGGTGCCCTTCCCGCGCCTGCACTTCTTCATG-3'
Protein context (NP_006077.2, residues 237-257): TTSLRFPGQL[Asn247=]ADLRKLAVNM